The following is an entry in ClinVar:

ClinVar aggregate classification (germline): Benign/Likely benign. Review status: criteria provided, multiple submitters, no conflicts (2 of 4 stars). 6 submissions from 6 submitters: Benign (2); Likely benign (3). 1 of the submissions does not count toward it. Last evaluated 2026-01-09.

Conditions:
SCN10A-related disorder. Also called: SCN10A-related condition.
Cardiovascular phenotype. Identifiers: MedGen CN230736.
Brugada syndrome. Also called: Sudden Unexplained Death Syndrome; Sudden Unexplained Nocturnal Death Syndrome (SUNDS); Sudden unexpected nocturnal death syndrome; Sudden unexplained nocturnal death syndrome. Identifiers: Orphanet 130, MedGen C1142166, MONDO:0015263.

Allele frequency attached by ClinVar (database versions not stated): TOPMed 0.00002; ESP Exome Variant Server 0.00008; gnomAD 0.00023 and 0.00001; 1000 Genomes Project 30x 0.00172; 1000 Genomes Project 0.00200.
gnomAD v4.1: 751 of 1,613,874 alleles (0.047%); highest among the groups gnomAD compares: South Asian, 0.75%; 8 homozygotes.

Submissions (6):

Labcorp Genetics (formerly Invitae), Labcorp
Classification: Benign for Brugada syndrome. Last evaluated: 2026-01-09. Review status: criteria provided, single submitter. Criteria: Invitae Variant Classification Sherloc (09022015). Collection method: clinical testing. Allele origin: germline.

CeGaT Center for Human Genetics Tuebingen
Classification: Likely benign. Last evaluated: 2025-01-01. Review status: criteria provided, single submitter. Criteria: CeGaT Center For Human Genetics Tuebingen Variant Classification Criteria Version 2. Collection method: clinical testing. Allele origin: germline. Affected: yes. Observed: 1 variant allele.
Comment: SCN10A: BS1

Blueprint Genetics
Classification: Likely benign. Last evaluated: 2024-11-11. Review status: criteria provided, single submitter. Criteria: ACMG Guidelines, 2015. Collection method: clinical testing. Allele origin: germline.

Ambry Genetics
Classification: Likely benign for Cardiovascular phenotype. Last evaluated: 2021-06-03. Review status: criteria provided, single submitter. Criteria: Ambry Variant Classification Scheme 2023. Collection method: clinical testing. Allele origin: germline.

GeneDx
Classification: Benign. Last evaluated: 2020-07-31. Review status: criteria provided, single submitter. Criteria: GeneDx Variant Classification Process June 2021. Collection method: clinical testing. Allele origin: germline. Affected: yes.

PreventionGenetics, part of Exact Sciences
Classification: Likely benign for SCN10A-related condition. Last evaluated: 2019-04-18. Review status: no assertion criteria provided. Collection method: clinical testing. Allele origin: germline. Not counted in ClinVar's aggregate classification.
Comment: This variant is classified as likely benign based on ACMG/AMP sequence variant interpretation guidelines (Richards et al. 2015 PMID: 25741868, with internal and published modifications).

NM_006514.4(SCN10A):c.4379G>A (p.Arg1460Gln)

Gene: SCN10A (sodium voltage-gated channel alpha subunit 10; minus strand). Cytogenetic location: 3p22.2.
Variant type: single nucleotide variant.
Coding change: c.4379G>A on transcript NM_006514.4 (MANE Select); coding-DNA position 4379, G replaced by A.
Protein change: p.Arg1460Gln; replaces arginine 1460 with glutamine.
Molecular consequence: missense variant.
Genome position (GRCh38, 1-based): chr3:38,707,286, C>T on the plus strand (G>A on the coding strand, the complement: SCN10A is on the minus strand). VCF-style: chr3-38707286-C-T. GRCh37 (hg19) VCF-style: chr3-38748777-C-T.
Other names: c.4376G>A, p.Arg1459Gln (NM_001293306.2); c.4085G>A, p.Arg1362Gln (NM_001293307.2); short protein forms R1460Q, R1459Q, R1362Q.
Identifiers: ClinVar variation 414625 (VCV000414625.30), dbSNP rs369399424, ClinGen allele CA2319920.